The following is an entry in ClinVar:

NM_001846.4(COL4A2):c.1256C>T (p.Ala419Val)

Gene: COL4A2 (collagen type IV alpha 2 chain; plus strand). Cytogenetic location: 13q34.
Variant type: single nucleotide variant.
Coding change: c.1256C>T on transcript NM_001846.4 (MANE Select); coding-DNA position 1256, C replaced by T.
Protein change: p.Ala419Val; replaces alanine 419 with valine.
Molecular consequence: missense variant.
Genome position (GRCh38, 1-based): chr13:110,450,371, C>T. VCF-style: chr13-110450371-C-T. GRCh37 (hg19) VCF-style: chr13-111102718-C-T.
Other names: c.1256C>T (NM_001846.3); short protein forms A419V.
Identifiers: ClinVar variation 311122 (VCV000311122.15), dbSNP rs72657933, ClinGen allele CA7049356.

ClinVar aggregate classification (germline): Conflicting classifications of pathogenicity. Review status: criteria provided, conflicting classifications (1 of 4 stars). 6 submissions from 6 submitters: Uncertain significance (1); Benign (3); Likely benign (1). 1 of the submissions does not count toward it. Last evaluated 2025-12-01.

Conditions:
COL4A2-related disorder. Also called: COL4A2-related disorders; COL4A2-related condition.
Brain small vessel disease 2A, autosomal dominant. Also called: Porencephaly 2. Identifiers: Orphanet 2940, Orphanet 99810, MedGen C3280970, MONDO:0013773, OMIM 614483.

Allele frequency attached by ClinVar (database versions not stated): gnomAD exomes 0.00008 and 0.00011; gnomAD 0.00009; ExAC 0.00011; TOPMed 0.00015; ESP Exome Variant Server 0.00017; 1000 Genomes Project 30x 0.00031; 1000 Genomes Project 0.00040.
gnomAD v4.1: 176 of 1,613,974 alleles (0.011%); highest among the groups gnomAD compares: Non-Finnish European, 0.013%; no homozygotes.

Submissions (6):

Labcorp Genetics (formerly Invitae), Labcorp
Classification: Likely benign. Last evaluated: 2025-12-01. Review status: criteria provided, single submitter. Criteria: Invitae Variant Classification Sherloc (09022015). Collection method: clinical testing. Allele origin: germline.

GeneDx
Classification: Uncertain significance. Last evaluated: 2024-01-03. Review status: criteria provided, single submitter. Criteria: GeneDx Variant Classification Process June 2021. Collection method: clinical testing. Allele origin: germline. Affected: yes.
Comment: In silico analysis supports that this missense variant does not alter protein structure/function; Has not been previously published as pathogenic or benign to our knowledge; Occurs in the triple helical domain within an interruption of the canonical Gly-X-Y repeat

Centre for Mendelian Genomics, University Medical Centre Ljubljana
Classification: Benign for Brain small vessel disease 2A, autosomal dominant. Last evaluated: 2018-10-31. Review status: criteria provided, single submitter. Criteria: ACMG Guidelines, 2015. Collection method: clinical testing. Allele origin: unknown. Affected: yes.
Comment: This variant was classified as: Benign. The following ACMG criteria were applied in classifying this variant: BS1,BS2.

Illumina Laboratory Services, Illumina
Classification: Benign for Brain small vessel disease 2A, autosomal dominant. Last evaluated: 2018-01-12. Review status: criteria provided, single submitter. Criteria: ICSL Variant Classification Criteria 13 December 2019. Collection method: clinical testing. Allele origin: germline.
Comment: This variant was observed in the ICSL laboratory as part of a predisposition screen in an ostensibly healthy population. It had not been previously curated by ICSL or reported in the Human Gene Mutation Database (HGMD: prior to June 1st, 2018), and was therefore a candidate for classification through an automated scoring system. Utilizing variant allele frequency, disease prevalence and penetrance estimates, and inheritance mode, an automated score was calculated to assess if this variant is too frequent to cause the disease. Based on the score and internal cut-off values, a variant classified as benign is not then subjected to further curation. The score for this variant resulted in a classification of benign for this disease.

Breakthrough Genomics
Classification: Benign. Review status: criteria provided, single submitter. Criteria: ACMG Guidelines, 2015. Collection method: not provided. Allele origin: germline. Inheritance: Autosomal dominant inheritance. Affected: yes.

PreventionGenetics, part of Exact Sciences
Classification: Uncertain significance for COL4A2-related condition. Last evaluated: 2024-01-24. Review status: no assertion criteria provided. Collection method: clinical testing. Allele origin: germline. Not counted in ClinVar's aggregate classification.
Comment: The COL4A2 c.1256C>T variant is predicted to result in the amino acid substitution p.Ala419Val. To our knowledge, this variant has not been reported in the literature. This variant is reported in 0.017% of alleles in individuals of African descent in gnomAD, which is likely too common for an undocumented disease-causing variant. Although we suspect that this variant may be benign, at this time, the clinical significance of this variant is uncertain due to the absence of conclusive functional and genetic evidence.